The following is an entry in ClinVar:

NM_006469.5(IVNS1ABP):c.878C>T (p.Ala293Val)

Gene: IVNS1ABP (influenza virus NS1A binding protein; minus strand). Cytogenetic location: 1q25.3.
Variant type: single nucleotide variant.
Coding change: c.878C>T on transcript NM_006469.5 (MANE Select); coding-DNA position 878, C replaced by T.
Protein change: p.Ala293Val; replaces alanine 293 with valine.
Molecular consequence: missense variant.
Genome position (GRCh38, 1-based): chr1:185,301,451, G>A on the plus strand (C>T on the coding strand, the complement: IVNS1ABP is on the minus strand). VCF-style: chr1-185301451-G-A. GRCh37 (hg19) VCF-style: chr1-185270583-G-A.
Other names: short protein forms A293V.
Identifiers: ClinVar variation 3356283 (VCV003356283.1).

ClinVar aggregate classification (germline): Uncertain significance (0 of 4 stars; one submission).

Conditions:
IVNS1ABP-related disorder. Also called: IVNS1ABP-related condition.

gnomAD v4.1: 2 of 1,613,152 alleles (0.00012%); highest among the groups gnomAD compares: South Asian, 0.0011%; no homozygotes.

Submission:

PreventionGenetics, part of Exact Sciences
Classification: Uncertain significance for IVNS1ABP-related condition. Last evaluated: 2024-09-07. Review status: no assertion criteria provided. Collection method: clinical testing. Allele origin: germline.
Comment: The IVNS1ABP c.878C>T variant is predicted to result in the amino acid substitution p.Ala293Val. To our knowledge, this variant has not been reported in the literature. This variant is reported in 0.0033% of alleles in individuals of South Asian descent in gnomAD. At this time, the clinical significance of this variant is uncertain due to the absence of conclusive functional and genetic evidence.